The following is an entry in ClinVar:

NM_007055.4(POLR3A):c.2062C>T (p.Pro688Ser)

Gene: POLR3A (RNA polymerase III subunit A; minus strand). Cytogenetic location: 10q22.3.
Variant type: single nucleotide variant.
Coding change: c.2062C>T on transcript NM_007055.4 (MANE Select); coding-DNA position 2062, C replaced by T.
Protein change: p.Pro688Ser; replaces proline 688 with serine.
Molecular consequence: missense variant.
Genome position (GRCh38, 1-based): chr10:78,007,714, G>A on the plus strand (C>T on the coding strand, the complement: POLR3A is on the minus strand). VCF-style: chr10-78007714-G-A. GRCh37 (hg19) VCF-style: chr10-79767472-G-A.
Other names: c.2062C>T (NM_007055.3); short protein forms P688S.
Identifiers: ClinVar variation 1437842 (VCV001437842.5), dbSNP rs372173525, ClinGen allele CA5571239.

ClinVar aggregate classification (germline): Uncertain significance. Review status: criteria provided, multiple submitters, no conflicts (2 of 4 stars). 3 submissions from 3 submitters: Uncertain significance (3). Last evaluated 2024-09-03.

Allele frequency attached by ClinVar (database versions not stated): gnomAD 0.00003 and 0.00004; TOPMed 0.00006; gnomAD exomes 0.00008 and 0.00014; ExAC 0.00011; ESP Exome Variant Server 0.00023.

Submissions (3):

GeneDx
Classification: Uncertain significance. Last evaluated: 2024-09-03. Review status: criteria provided, single submitter. Criteria: GeneDx Variant Classification Process June 2021. Collection method: clinical testing. Allele origin: germline. Affected: yes.
Comment: Not observed at significant frequency in large population cohorts (gnomAD); In silico analysis indicates that this missense variant does not alter protein structure/function; Has not been previously published as pathogenic or benign to our knowledge

Blueprint Genetics
Classification: Uncertain significance. Last evaluated: 2024-08-16. Review status: criteria provided, single submitter. Criteria: ACMG Guidelines, 2015. Collection method: clinical testing. Allele origin: germline.

Labcorp Genetics (formerly Invitae), Labcorp
Classification: Uncertain significance. Last evaluated: 2022-06-12. Review status: criteria provided, single submitter. Criteria: Invitae Variant Classification Sherloc (09022015). Collection method: clinical testing. Allele origin: germline.
Comment: This sequence change replaces proline, which is neutral and non-polar, with serine, which is neutral and polar, at codon 688 of the POLR3A protein (p.Pro688Ser). This variant is present in population databases (rs372173525, gnomAD 0.01%). This variant has not been reported in the literature in individuals affected with POLR3A-related conditions. Algorithms developed to predict the effect of missense changes on protein structure and function (SIFT, PolyPhen-2, Align-GVGD) all suggest that this variant is likely to be tolerated. In summary, the available evidence is currently insufficient to determine the role of this variant in disease. Therefore, it has been classified as a Variant of Uncertain Significance.